The following is an entry in ClinVar:

ClinVar aggregate classification (germline): Uncertain significance. Review status: criteria provided, multiple submitters, no conflicts (2 of 4 stars). 3 submissions from 3 submitters: Uncertain significance (3). Last evaluated 2025-06-22.

Allele frequency attached by ClinVar (database versions not stated): ExAC 0.00007; gnomAD 0.00012; 1000 Genomes Project 0.00040; 1000 Genomes Project 30x 0.00062.

Submissions (3):

Mayo Clinic Laboratories, Mayo Clinic
Classification: Uncertain significance. Last evaluated: 2025-06-22. Review status: criteria provided, single submitter. Criteria: ACMG Guidelines, 2015. Collection method: clinical testing. Allele origin: germline. Observed: 1 variant allele.

CeGaT Center for Human Genetics Tuebingen
Classification: Uncertain significance. Last evaluated: 2025-04-01. Review status: criteria provided, single submitter. Criteria: CeGaT Center For Human Genetics Tuebingen Variant Classification Criteria Version 2. Collection method: clinical testing. Allele origin: germline. Affected: yes. Observed: 3 variant alleles.
Comment: TNXB: PP2

GeneDx
Classification: Uncertain significance. Last evaluated: 2022-07-18. Review status: criteria provided, single submitter. Criteria: GeneDx Variant Classification Process June 2021. Collection method: clinical testing. Allele origin: germline. Affected: yes.
Comment: In silico analysis supports that this missense variant has a deleterious effect on protein structure/function; Has not been previously published as pathogenic or benign to our knowledge

NM_001365276.2(TNXB):c.12712C>T (p.Arg4238Cys)

Genes: CYP21A2 (cytochrome P450 family 21 subfamily A member 2; plus strand), TNXB (tenascin XB; minus strand). Cytogenetic location: 6p21.33.
Variant type: single nucleotide variant.
Coding change: c.12712C>T on transcript NM_001365276.2 (MANE Select); coding-DNA position 12712, C replaced by T.
Protein change: p.Arg4238Cys; replaces arginine 4238 with cysteine.
Molecular consequence: missense variant. On other transcripts: 3 prime UTR variant (4).
Genome position (GRCh38, 1-based): chr6:32,041,372, G>A on the plus strand (C>T on the coding strand, the complement: TNXB is on the minus strand). VCF-style: chr6-32041372-G-A. GRCh37 (hg19) VCF-style: chr6-32009149-G-A.
Other names: p.Arg4236Cys; c.*238G>A (NM_000500.9, NM_001128590.4, NM_001368143.2 and 1 more transcripts); c.12706C>T, p.Arg4236Cys (NM_019105.8); c.1999C>T, p.Arg667Cys (NM_032470.4); short protein forms R4236C, R4238C, R667C.
Identifiers: ClinVar variation 2136016 (VCV002136016.28), dbSNP rs529618820, ClinGen allele CA3732766.